The following is an entry in ClinVar:

NM_001451.3(FOXF1):c.873C>T (p.Ser291=)

Gene: FOXF1 (forkhead box F1; plus strand). Cytogenetic location: 16q24.1.
Variant type: single nucleotide variant.
Coding change: c.873C>T on transcript NM_001451.3 (MANE Select); coding-DNA position 873, C replaced by T.
Protein change: p.Ser291=; no amino-acid change (serine 291 retained).
Molecular consequence: synonymous variant.
Genome position (GRCh38, 1-based): chr16:86,511,442, C>T. VCF-style: chr16-86511442-C-T. GRCh37 (hg19) VCF-style: chr16-86545048-C-T.
Identifiers: ClinVar variation 226642 (VCV000226642.20), dbSNP rs61753347, ClinGen allele CA8217474.

ClinVar aggregate classification (germline): Benign/Likely benign. Review status: criteria provided, multiple submitters, no conflicts (2 of 4 stars). 6 submissions from 6 submitters: Benign (5); Likely benign (1). Last evaluated 2026-01-25.

Conditions:
Alveolar capillary dysplasia with pulmonary venous misalignment. Also called: Alveolar capillary dysplasia with misalignment of pulmonary veins; Congenital alveolar capillary dysplasia; ALVEOLAR CAPILLARY DYSPLASIA WITH MISALIGNMENT OF PULMONARY VEINS AND OTHER CONGENITAL ANOMALIES. Identifiers: Orphanet 210122, MedGen C2960310, MONDO:0009934, OMIM 265380.

Allele frequency attached by ClinVar (database versions not stated): gnomAD exomes 0.00349; ExAC 0.00479; ESP Exome Variant Server 0.00975; gnomAD 0.01493 and 0.01583; TOPMed 0.01709; 1000 Genomes Project 0.01917; 1000 Genomes Project 30x 0.01936.
gnomAD v4.1: 4,401 of 1,594,814 alleles (0.28%); highest among the groups gnomAD compares: African/African-American, 5.1%; 105 homozygotes.

Submissions (6):

Labcorp Genetics (formerly Invitae), Labcorp
Classification: Benign. Last evaluated: 2026-01-25. Review status: criteria provided, single submitter. Criteria: Invitae Variant Classification Sherloc (09022015). Collection method: clinical testing. Allele origin: germline.

Blueprint Genetics
Classification: Likely benign. Last evaluated: 2024-11-21. Review status: criteria provided, single submitter. Criteria: ACMG Guidelines, 2015. Collection method: clinical testing. Allele origin: germline.

GeneDx
Classification: Benign. Last evaluated: 2022-02-13. Review status: criteria provided, single submitter. Criteria: GeneDx Variant Classification Process June 2021. Collection method: clinical testing. Allele origin: germline.
Comment: See Variant Classification Assertion Criteria.

Johns Hopkins Genomics, Johns Hopkins University
Classification: Benign for Alveolar capillary dysplasia with pulmonary venous misalignment. Last evaluated: 2019-03-05. Review status: criteria provided, single submitter. Criteria: ACMG Guidelines, 2015. Collection method: clinical testing. Allele origin: germline.

Laboratory for Molecular Medicine, Mass General Brigham Personalized Medicine
Classification: Benign. Last evaluated: 2014-11-24. Review status: criteria provided, single submitter. Criteria: LMM Criteria. Collection method: clinical testing. Allele origin: germline. Observed: 3 variant alleles.
Comment: Ser291Ser in exon 1 of FOXF1: This variant is not expected to have clinical sign ificance because it does not alter an amino acid residue and is not located with in the splice consensus sequence. It has been identified in 2.9% (113/3856) of A frican American chromosomes from a broad population by the NHLBI Exome Sequencin g Project (dbSNP rs61753347).

Breakthrough Genomics
Classification: Benign. Review status: criteria provided, single submitter. Criteria: ACMG Guidelines, 2015. Collection method: not provided. Allele origin: germline. Inheritance: Autosomal dominant inheritance. Affected: yes.